The following is an entry in ClinVar:

ClinVar aggregate classification (germline): Uncertain significance (1 of 4 stars; one submission).

Submission:

Labcorp Genetics (formerly Invitae), Labcorp
Classification: Uncertain significance. Last evaluated: 2022-10-13. Review status: criteria provided, single submitter. Criteria: Invitae Variant Classification Sherloc (09022015). Collection method: clinical testing. Allele origin: germline.
Comment: This sequence change replaces aspartic acid, which is acidic and polar, with glutamic acid, which is acidic and polar, at codon 590 of the CNGB1 protein (p.Asp590Glu). This variant is not present in population databases (gnomAD no frequency). In summary, the available evidence is currently insufficient to determine the role of this variant in disease. Therefore, it has been classified as a Variant of Uncertain Significance. Advanced modeling of protein sequence and biophysical properties (such as structural, functional, and spatial information, amino acid conservation, physicochemical variation, residue mobility, and thermodynamic stability) performed at Invitae indicates that this missense variant is not expected to disrupt CNGB1 protein function. ClinVar contains an entry for this variant (Variation ID: 1382506). This variant has not been reported in the literature in individuals affected with CNGB1-related conditions.

NM_001297.5(CNGB1):c.1770C>A (p.Asp590Glu)

Gene: CNGB1 (cyclic nucleotide gated channel subunit beta 1; minus strand). Cytogenetic location: 16q21.
Variant type: single nucleotide variant.
Coding change: c.1770C>A on transcript NM_001297.5 (MANE Select); coding-DNA position 1770, C replaced by A.
Protein change: p.Asp590Glu; replaces aspartic acid 590 with glutamic acid.
Molecular consequence: missense variant.
Genome position (GRCh38, 1-based): chr16:57,920,418, G>T on the plus strand (C>A on the coding strand, the complement: CNGB1 is on the minus strand). VCF-style: chr16-57920418-G-T. GRCh37 (hg19) VCF-style: chr16-57954322-G-T.
Other names: c.1752C>A, p.Asp584Glu (NM_001286130.2); short protein forms D590E, D584E.
Identifiers: ClinVar variation 1382506 (VCV001382506.5), dbSNP rs770735553, ClinGen allele CA396066259.